The following is an entry in ClinVar:

ClinVar aggregate classification (germline): Uncertain significance (1 of 4 stars; one submission).

Conditions:
Hereditary cancer-predisposing syndrome. Also called: Tumor predisposition; Hereditary Cancer Syndrome; Hereditary neoplastic syndrome; Neoplastic Syndromes, Hereditary. Identifiers: Orphanet 140162, MedGen C0027672, MeSH D009386, MONDO:0015356.

Submission:

Ambry Genetics
Classification: Uncertain significance for Hereditary cancer-predisposing syndrome. Last evaluated: 2026-02-02. Review status: criteria provided, single submitter. Criteria: Ambry Variant Classification Scheme 2023. Collection method: clinical testing. Allele origin: germline.
Comment: The c.1326+5T>A intronic variant results from a T to A substitution 5 nucleotides after coding exon 11 in the MRE11A gene. This nucleotide position is not well conserved in available vertebrate species. In silico splice site analysis predicts that this alteration will not have any significant effect on splicing. Based on the available evidence, the clinical significance of this variant remains unclear.

NM_005591.4(MRE11):c.1326+5T>A

Gene: MRE11 (MRE11 double strand break repair nuclease; minus strand). Cytogenetic location: 11q21.
Variant type: single nucleotide variant.
Coding change: c.1326+5T>A on transcript NM_005591.4 (MANE Select); 5 bases into the intron after coding-DNA position 1326, T replaced by A.
Molecular consequence: intron variant.
Genome position (GRCh38, 1-based): chr11:94,460,931, A>T on the plus strand (T>A on the coding strand, the complement: MRE11 is on the minus strand). VCF-style: chr11-94460931-A-T. GRCh37 (hg19) VCF-style: chr11-94194097-A-T.
Other names: c.1326+5T>A (NM_001330347.2, NM_005590.4).
Identifiers: ClinVar variation 1799948 (VCV001799948.3), dbSNP rs2496399135, ClinGen allele CA2580085060.